The following is an entry in ClinVar:

NM_001365536.1(SCN9A):c.2874+12delinsTT

Genes: SCN1A-AS1 (SCN1A and SCN9A antisense RNA 1; plus strand), SCN9A (sodium voltage-gated channel alpha subunit 9; minus strand). Cytogenetic location: 2q24.3.
Variant type: Indel.
Coding change: c.2874+12delinsTT on transcript NM_001365536.1 (MANE Select); 12 bases into the intron after coding-DNA position 2874, G replaced by TT.
Molecular consequence: intron variant.
Genome position (GRCh38, 1-based): chr2:166,276,971, C replaced by AA on the plus strand (G replaced by TT on the coding strand, the reverse complement: SCN9A is on the minus strand). VCF-style: chr2-166276971-C-AA. GRCh37 (hg19) VCF-style: chr2-167133481-C-AA.
Other names: c.2841+12delinsTT (NM_002977.4).
Identifiers: ClinVar variation 2501757 (VCV002501757.2), dbSNP rs2468001375, ClinGen allele CA2580614406.
Genomic context (GRCh38, chr2:166,276,971, plus strand): 5'-AAATAATAGATCACATCATCACAAAATAATTTCCACAGAGAAATTAAAATGCATGAACAT[C>AA]TGGTTACATACCACCAGGTTTCCAATGACCATGACCATCATGTAAACAATAAGGCACATA-3'

ClinVar aggregate classification (germline): Uncertain significance (1 of 4 stars; one submission).

Conditions:
Primary erythromelalgia. Also called: SCN9A Erythromelalgia (SCN9A-EM); primary erythermalgia. Identifiers: Orphanet 306577, Orphanet 90026, MedGen C0014805, MONDO:0007571, OMIM 133020.
Channelopathy-associated congenital insensitivity to pain, autosomal recessive. Also called: Insensitivity to pain, channelopathy-associated; ASYMBOLIA FOR PAIN; CONGENITAL ANALGESIA, AUTOSOMAL RECESSIVE. Identifiers: Orphanet 88642, Orphanet 970, MedGen C1855739, MONDO:0009459, OMIM 243000.
Paroxysmal extreme pain disorder (PEXPD). Also called: SCN9A Paroxysmal Extreme Pain Disorder (SCN9A-PEPD); PAIN, SUBMANDIBULAR, OCULAR, AND RECTAL, WITH FLUSHING; RECTAL PAIN, FAMILIAL. Identifiers: Orphanet 46348, MedGen C1833661, MONDO:0008179, OMIM 167400.

Submission:

Center for Genomics, Ann and Robert H. Lurie Children's Hospital of Chicago
Classification: Uncertain significance for Primary erythromelalgia; Channelopathy-associated congenital insensitivity to pain, autosomal recessive; Paroxysmal extreme pain disorder. Review status: criteria provided, single submitter. Criteria: ACMG Guidelines, 2015. Collection method: clinical testing. Allele origin: germline.
Comment: SCN9A: NM_002977.3:exon 19:c.2841+11_2841+13delinsTT: This variant has not been reported in the literature and is not present in large control databases. This variant is present in ClinVar (Variation ID: 258883). Evolutionary conservation and computational predictive tools for this variant are limited or unavailable. This variant represents a deletion of 3 nucleotides and the insertion of 2 different nucelotides, beginning at position 2841+11. Although this variant occurs in the intron, it is not predicted to alter the consensus splice sequence, and further studies are needed to understand its impact. In summary, data on this variant is insufficient for disease classification. Therefore, the clinical significance of this variant is uncertain.